The following is an entry in ClinVar:

ClinVar aggregate classification (germline): Uncertain significance (1 of 4 stars; one submission).

Conditions:
Landau-Kleffner syndrome (FESD). Also called: EPILEPSY, FOCAL, WITH SPEECH DISORDER AND WITH OR WITHOUT MENTAL RETARDATION; APHASIA, ACQUIRED, WITH EPILEPSY. Identifiers: Orphanet 1945, Orphanet 725, Orphanet 98818, MedGen C0282512, MONDO:0009509, OMIM 245570.

Submission:

Labcorp Genetics (formerly Invitae), Labcorp
Classification: Uncertain significance for Landau-Kleffner syndrome. Last evaluated: 2024-05-06. Review status: criteria provided, single submitter. Criteria: Invitae Variant Classification Sherloc (09022015). Collection method: clinical testing. Allele origin: germline.
Comment: This sequence change replaces histidine, which is basic and polar, with asparagine, which is neutral and polar, at codon 119 of the GRIN2A protein (p.His119Asn). This variant is not present in population databases (gnomAD no frequency). This variant has not been reported in the literature in individuals affected with GRIN2A-related conditions. Advanced modeling of protein sequence and biophysical properties (such as structural, functional, and spatial information, amino acid conservation, physicochemical variation, residue mobility, and thermodynamic stability) performed at Invitae indicates that this missense variant is not expected to disrupt GRIN2A protein function with a negative predictive value of 95%. In summary, the available evidence is currently insufficient to determine the role of this variant in disease. Therefore, it has been classified as a Variant of Uncertain Significance.

NM_001134407.3(GRIN2A):c.355C>A (p.His119Asn)

Gene: GRIN2A (glutamate ionotropic receptor NMDA type subunit 2A; minus strand). Cytogenetic location: 16p13.2.
Variant type: single nucleotide variant.
Coding change: c.355C>A on transcript NM_001134407.3 (MANE Select); coding-DNA position 355, C replaced by A.
Protein change: p.His119Asn; replaces histidine 119 with asparagine.
Molecular consequence: missense variant.
Genome position (GRCh38, 1-based): chr16:10,180,057, G>T on the plus strand (C>A on the coding strand, the complement: GRIN2A is on the minus strand). VCF-style: chr16-10180057-G-T. GRCh37 (hg19) VCF-style: chr16-10273914-G-T.
Other names: c.355C>A, p.His119Asn (NM_000833.5, NM_001134408.2); short protein forms H119N.
Identifiers: ClinVar variation 3632122 (VCV003632122.2).